The following is an entry in ClinVar:

ClinVar aggregate classification (germline): Uncertain significance (1 of 4 stars; one submission).

Conditions:
ADCY3-related disorder. Also called: ADCY3-related condition.

gnomAD v4.1: 28 of 1,614,002 alleles (0.0017%); highest among the groups gnomAD compares: South Asian, 0.0011%; no homozygotes.

Submission:

PreventionGenetics, part of Exact Sciences
Classification: Uncertain significance for ADCY3-related condition. Last evaluated: 2025-05-28. Review status: criteria provided, single submitter. Criteria: ACMG Guidelines, 2015. Collection method: clinical testing. Allele origin: germline.
Comment: The ADCY3 c.895G>A variant is predicted to result in the amino acid substitution p.Glu299Lys. To our knowledge, this variant has not been reported in the literature. This variant is reported in 0.016% of alleles in individuals of European (Finnish) descent in gnomAD. At this time, the clinical significance of this variant is uncertain due to the absence of conclusive functional and genetic evidence.

NM_004036.5(ADCY3):c.895G>A (p.Glu299Lys)

Gene: ADCY3 (adenylate cyclase 3; minus strand). Cytogenetic location: 2p23.3.
Variant type: single nucleotide variant.
Coding change: c.895G>A on transcript NM_004036.5 (MANE Select); coding-DNA position 895, G replaced by A.
Protein change: p.Glu299Lys; replaces glutamic acid 299 with lysine.
Molecular consequence: missense variant.
Genome position (GRCh38, 1-based): chr2:24,842,315, C>T on the plus strand (G>A on the coding strand, the complement: ADCY3 is on the minus strand). VCF-style: chr2-24842315-C-T. GRCh37 (hg19) VCF-style: chr2-25065184-C-T.
Other names: c.895G>A, p.Glu299Lys (NM_001320613.2, NM_001377128.1, NM_001377129.1 and 2 more transcripts); c.172G>A, p.Glu58Lys (NM_001377131.1); short protein forms E299K, E58K.
Identifiers: ClinVar variation 4998253 (VCV004998253.1).